The following is an entry in ClinVar:

ClinVar aggregate classification (germline): Benign/Likely benign. Review status: criteria provided, multiple submitters, no conflicts (2 of 4 stars). 4 submissions from 4 submitters: Benign (3); Likely benign (1). Last evaluated 2026-05-11.

Conditions:
Deficiency of iodide peroxidase (TDH2A). Also called: Thyroid dyshormonogenesis 2A; HYPOTHYROIDISM, CONGENITAL, DUE TO DYSHORMONOGENESIS, 2A; IODIDE PEROXIDASE DEFICIENCY; THYROID HORMONOGENESIS, GENETIC DEFECT IN, 2A; THYROID PEROXIDASE DEFICIENCY. Identifiers: Orphanet 95716, MedGen C1291299, MONDO:0010133, OMIM 274500.

Allele frequency attached by ClinVar (database versions not stated): gnomAD exomes 0.00480 and 0.01234; ExAC 0.01580; TOPMed 0.05245; gnomAD 0.04642 and 0.04970; ESP Exome Variant Server 0.05613; 1000 Genomes Project 0.05851; 1000 Genomes Project 30x 0.06184.
gnomAD v4.1: 14,365 of 1,614,054 alleles (0.89%); highest among the groups gnomAD compares: African/African-American, 17%; 1,088 homozygotes.

Submissions (4):

Women's Health and Genetics/Laboratory Corporation of America, LabCorp
Classification: Likely benign. Last evaluated: 2026-05-11. Review status: criteria provided, single submitter. Criteria: LabCorp Variant Classification Summary - May 2015. Collection method: clinical testing. Allele origin: germline.

Labcorp Genetics (formerly Invitae), Labcorp
Classification: Benign. Last evaluated: 2026-02-02. Review status: criteria provided, single submitter. Criteria: Invitae Variant Classification Sherloc (09022015). Collection method: clinical testing. Allele origin: germline.

Illumina Laboratory Services, Illumina
Classification: Benign for Deficiency of iodide peroxidase. Last evaluated: 2018-01-12. Review status: criteria provided, single submitter. Criteria: ICSL Variant Classification Criteria 13 December 2019. Collection method: clinical testing. Allele origin: germline.
Comment: This variant was observed in the ICSL laboratory as part of a predisposition screen in an ostensibly healthy population. It had not been previously curated by ICSL or reported in the Human Gene Mutation Database (HGMD: prior to June 1st, 2018), and was therefore a candidate for classification through an automated scoring system. Utilizing variant allele frequency, disease prevalence and penetrance estimates, and inheritance mode, an automated score was calculated to assess if this variant is too frequent to cause the disease. Based on the score and internal cut-off values, a variant classified as benign is not then subjected to further curation. The score for this variant resulted in a classification of benign for this disease.

Breakthrough Genomics
Classification: Benign. Review status: criteria provided, single submitter. Criteria: ACMG Guidelines, 2015. Collection method: not provided. Allele origin: germline. Inheritance: Autosomal recessive inheritance. Affected: yes.

NM_001206744.2(TPO):c.2116A>G (p.Met706Val)

Genes: LALTOP (lung cancer associated lncRNA targeting TOP2A; minus strand), TPO (thyroid peroxidase; plus strand). Cytogenetic location: 2p25.3.
Variant type: single nucleotide variant.
Coding change: c.2116A>G on transcript NM_001206744.2 (MANE Select); coding-DNA position 2116, A replaced by G.
Protein change: p.Met706Val; replaces methionine 706 with valine.
Molecular consequence: missense variant.
Genome position (GRCh38, 1-based): chr2:1,496,098, A>G. VCF-style: chr2-1496098-A-G. GRCh37 (hg19) VCF-style: chr2-1499870-A-G.
Other names: c.2116A>G, p.Met706Val (NM_000547.6, NM_175721.3); c.1945A>G, p.Met649Val (NM_001206745.2, NM_175719.4); c.1597A>G, p.Met533Val (NM_175722.3); short protein forms M706V, M533V, M649V.
Identifiers: ClinVar variation 331363 (VCV000331363.10), dbSNP rs13431173, ClinGen allele CA1511955.